The following is an entry in ClinVar:

NM_002834.5(PTPN11):c.642G>A (p.Gln214=)

Gene: PTPN11 (protein tyrosine phosphatase non-receptor type 11; plus strand). Cytogenetic location: 12q24.13.
Variant type: single nucleotide variant.
Coding change: c.642G>A on transcript NM_002834.5 (MANE Select); coding-DNA position 642, G replaced by A.
Protein change: p.Gln214=; no amino-acid change (glutamine 214 retained).
Molecular consequence: synonymous variant.
Genome position (GRCh38, 1-based): chr12:112,454,680, G>A. VCF-style: chr12-112454680-G-A. GRCh37 (hg19) VCF-style: chr12-112892484-G-A.
Other names: p.Gln214=; c.642G>A, p.Gln214= (NM_001330437.2, NM_080601.3); c.639G>A, p.Gln213= (NM_001374625.1).
Identifiers: ClinVar variation 235046 (VCV000235046.23), dbSNP rs876661383, ClinGen allele CA10581166.

ClinVar aggregate classification (germline): Uncertain significance. Review status: criteria provided, multiple submitters, no conflicts (2 of 4 stars). 8 submissions from 8 submitters: Uncertain significance (8). Last evaluated 2026-05-04.

Conditions:
Cardiovascular phenotype. Identifiers: MedGen CN230736.
Noonan syndrome 1 (NS1). Also called: FEMALE PSEUDO-TURNER SYNDROME; PTPN11-Related Noonan Syndrome; TURNER PHENOTYPE WITH NORMAL KARYOTYPE. Identifiers: Orphanet 648, MedGen C4551602, MONDO:0008104, OMIM 163950. Disease mechanism: gain of function.
Juvenile myelomonocytic leukemia (JMML). Also called: LEUKEMIA, JUVENILE MYELOMONOCYTIC, SOMATIC. Identifiers: Orphanet 86834, MedGen C0349639, MONDO:0011908, OMIM 607785, HP:0012209.
LEOPARD syndrome 1 (LPRD1). Also called: LENTIGINOSIS, CARDIOMYOPATHIC; MULTIPLE LENTIGINES SYNDROME; PTPN11-Related LEOPARD Syndrome. Identifiers: Orphanet 500, MedGen C4551484, MONDO:0100082, OMIM 151100.
Metachondromatosis (METCDS). Identifiers: Orphanet 2499, MedGen C0410530, MONDO:0007979, OMIM 156250.
RASopathy. Also called: rasopathies; Noonan spectrum disorder. Identifiers: Orphanet 536391, MedGen C5555857, MONDO:0021060.

Allele frequency attached by ClinVar (database versions not stated): gnomAD exomes below 0.00001 and 0.00001; gnomAD 0.00001; TOPMed 0.00001.
gnomAD v4.1: 3 of 1,601,538 alleles (0.00019%); highest among the groups gnomAD compares: Admixed American, 0.005%; no homozygotes.

Submissions (8):

Ambry Genetics
Classification: Uncertain significance for Cardiovascular phenotype. Last evaluated: 2026-05-04. Review status: criteria provided, single submitter. Criteria: Ambry Variant Classification Scheme 2023. Collection method: clinical testing. Allele origin: germline.
Comment: The c.642G>A variant (also known as p.Q214Q), located in coding exon 5 of the PTPN11 gene, results from a G to A substitution at nucleotide position 642. This nucleotide substitution does not change the glutamine at codon 214. However, this change occurs in the last base pair of coding exon 5, which makes it likely to have some effect on normal mRNA splicing. This nucleotide position is highly conserved in available vertebrate species. In silico splice site analysis predicts that this alteration will result in the creation or strengthening of a novel splice donor site; however, direct evidence is insufficient at this time (Ambry internal data). Based on the available evidence, the clinical significance of this variant remains unclear.

Labcorp Genetics (formerly Invitae), Labcorp
Classification: Uncertain significance for RASopathy. Last evaluated: 2025-10-08. Review status: criteria provided, single submitter. Criteria: Invitae Variant Classification Sherloc (09022015). Collection method: clinical testing. Allele origin: germline.
Comment: This sequence change affects codon 214 of the PTPN11 mRNA. It is a 'silent' change, meaning that it does not change the encoded amino acid sequence of the PTPN11 protein. This variant also falls at the last nucleotide of exon 5, which is part of the consensus splice site for this exon. This variant is present in population databases (no rsID available, gnomAD 0.003%). This variant has not been reported in the literature in individuals affected with PTPN11-related conditions. ClinVar contains an entry for this variant (Variation ID: 235046). Variants that disrupt the consensus splice site are a relatively common cause of aberrant splicing (PMID: 17576681, 9536098). Algorithms developed to predict the effect of sequence changes on RNA splicing suggest that this variant may disrupt the consensus splice site. In summary, the available evidence is currently insufficient to determine the role of this variant in disease. Therefore, it has been classified as a Variant of Uncertain Significance.

Mayo Clinic Laboratories, Mayo Clinic
Classification: Uncertain significance. Last evaluated: 2022-12-05. Review status: criteria provided, single submitter. Criteria: ACMG Guidelines, 2015. Collection method: clinical testing. Allele origin: germline. Observed: 1 variant allele.
Comment: PM2

Clinical Genomics Laboratory, Stanford Medicine
Classification: Uncertain significance for Noonan syndrome 1; LEOPARD syndrome 1. Last evaluated: 2022-11-28. Review status: criteria provided, single submitter. Criteria: ACMG Guidelines, 2015. Collection method: clinical testing. Allele origin: germline. Observed: 1 variant allele, 1 heterozygote.
Comment: The p.Gln214= variant in the PTPN11 gene has not been previously reported in association with disease. This variant has also been identified in 2/34564 Latino/Admixed chromosomes by the Genome Aggregation Database. This variant is present in ClinVar (Accession: VCV000235046.19). This is a synonymous variant and computational tools predict an impact to splicing. However, the accuracy of these computational tools is limited. These data were assessed using the ACMG/AMP variant interpretation guidelines. In summary, the significance of the p.Gln214= variant is uncertain. Additional information is needed to resolve the significance of this variant. [ACMG evidence codes used: PM2; PP3]

Fulgent Genetics
Classification: Uncertain significance for LEOPARD syndrome 1; Metachondromatosis; Noonan syndrome 1; Juvenile myelomonocytic leukemia. Last evaluated: 2021-07-05. Review status: criteria provided, single submitter. Criteria: ACMG Guidelines, 2015. Collection method: clinical testing. Allele origin: unknown.

Eurofins Ntd Llc (ga)
Classification: Uncertain significance. Last evaluated: 2017-12-27. Review status: criteria provided, single submitter. Criteria: EGL Classification Definitions 2015. Collection method: clinical testing. Allele origin: germline. Observed: 1 variant allele, 1 heterozygote.

GeneDx
Classification: Uncertain significance. Last evaluated: 2017-02-02. Review status: criteria provided, single submitter. Criteria: GeneDx Variant Classification (06012015). Collection method: clinical testing. Allele origin: germline. Affected: yes.
Comment: The c.642 G>A variant has not been published as a pathogenic variant, nor has it been reported as a benign polymorphism to our knowledge. The c.642 G>A variant was not observed in approximately 6,500 individuals of European and African American ancestry in the NHLBI Exome Sequencing Project, indicating it is not a common benign variant in these populations. Several in-silico splice prediction models predict that c.642 G>A may damage the natural splice donor site of intron 5 and result in abnormal gene splicing, leading to either an abnormal message that is subject to nonsense-mediated mRNA decay or to an abnormal protein product. However, in the absence of RNA/functional studies, the actual effect of this sequence change in this individual is unknown. Of note, Noonan syndrome and related rasopathies are caused by gain-of-function mutations and no loss-of-function mutations PTPN11 have been reported to date in association with a Noonan spectrum disorder. Therefore, based on the currently available information, it is unclear whether this variant is a pathogenic variant or a rare benign variant.

Stanford Center for Inherited Cardiovascular Disease, Stanford University
Classification: Uncertain significance. Last evaluated: 2013-11-01. Review status: criteria provided, single submitter. Criteria: ACMG Guidelines, 2015. Collection method: provider interpretation. Allele origin: germline.

Literature cited by the submitters: PubMed 17576681 (cited by Labcorp Genetics (formerly Invitae), Labcorp); PubMed 9536098 (cited by Labcorp Genetics (formerly Invitae), Labcorp).